The following is an entry in ClinVar:

NM_001278689.2(EOGT):c.562_563inv (p.Lys188Leu)

Gene: EOGT (EGF domain specific O-linked N-acetylglucosamine transferase; minus strand). Cytogenetic location: 3p14.1.
Variant type: Inversion.
Coding change: c.562_563inv on transcript NM_001278689.2 (MANE Select).
Protein change: p.Lys188Leu; replaces lysine 188 with leucine.
Molecular consequence: missense variant. On other transcripts: non-coding transcript variant (1).
Genome position: GRCh38 VCF-style: chr3-69004435-TT-AA. GRCh37 (hg19) VCF-style: chr3-69053586-TT-AA.
Other names: c.562_563inv, p.Lys188Leu (NM_173654.3); short protein forms K188L.
Identifiers: ClinVar variation 785635 (VCV000785635.9), ClinGen allele CA915941509.

ClinVar aggregate classification (germline): Benign. Review status: criteria provided, multiple submitters, no conflicts (2 of 4 stars). 2 submissions from 2 submitters: Benign (2). Last evaluated 2025-12-18.

Conditions:
Adams-Oliver syndrome 4 (AOS4). Identifiers: Orphanet 974, MedGen C3809092, MONDO:0014124, OMIM 615297.

Submissions (2):

Labcorp Genetics (formerly Invitae), Labcorp
Classification: Benign for Adams-Oliver syndrome 4. Last evaluated: 2025-12-18. Review status: criteria provided, single submitter. Criteria: Invitae Variant Classification Sherloc (09022015). Collection method: clinical testing. Allele origin: germline.

GeneDx
Classification: Benign. Last evaluated: 2021-04-27. Review status: criteria provided, single submitter. Criteria: GeneDx Variant Classification Process June 2021. Collection method: clinical testing. Allele origin: germline. Affected: yes.
Comment: This variant is associated with the following publications: (PMID: 31724708)